The following is an entry in ClinVar:

ClinVar aggregate classification (germline): Uncertain significance. Review status: criteria provided, single submitter (1 of 4 stars). 2 submissions from 2 submitters: Uncertain significance (1). 1 of the submissions does not count toward it. Last evaluated 2023-12-19.

Conditions:
Systemic lupus erythematosus 17 (SLEB17). Identifiers: MedGen C5676884, MONDO:0859083, OMIM 301080.

Submissions (2):

Labcorp Genetics (formerly Invitae), Labcorp
Classification: Uncertain significance. Last evaluated: 2023-12-19. Review status: criteria provided, single submitter. Criteria: Invitae Variant Classification Sherloc (09022015). Collection method: clinical testing. Allele origin: germline.
Comment: This sequence change replaces tyrosine, which is neutral and polar, with histidine, which is basic and polar, at codon 264 of the TLR7 protein (p.Tyr264His). This variant is not present in population databases (gnomAD no frequency). This missense change has been observed in individual(s) with severe systemic lupus erythematosus (PMID: 35477763). ClinVar contains an entry for this variant (Variation ID: 1686932). An algorithm developed to predict the effect of missense changes on protein structure and function (PolyPhen-2) suggests that this variant is likely to be tolerated. Experimental studies have shown that this missense change affects TLR7 function (PMID: 35477763). In summary, the available evidence is currently insufficient to determine the role of this variant in disease. Therefore, it has been classified as a Variant of Uncertain Significance.

OMIM
Classification: Pathogenic for SYSTEMIC LUPUS ERYTHEMATOSUS 17. Last evaluated: 2025-10-03. Review status: no assertion criteria provided. Collection method: literature only. Allele origin: germline. Not counted in ClinVar's aggregate classification.

Literature cited by the submitters: PubMed 35477763 (cited by Labcorp Genetics (formerly Invitae), Labcorp and OMIM).

NM_016562.4(TLR7):c.790T>C (p.Tyr264His)

Gene: TLR7 (toll like receptor 7; plus strand). Cytogenetic location: Xp22.2.
Variant type: single nucleotide variant.
Coding change: c.790T>C on transcript NM_016562.4 (MANE Select); coding-DNA position 790, T replaced by C.
Protein change: p.Tyr264His; replaces tyrosine 264 with histidine.
Molecular consequence: missense variant.
Genome position (GRCh38, 1-based): chrX:12,886,298, T>C. VCF-style: chrX-12886298-T-C. GRCh37 (hg19) VCF-style: chrX-12904417-T-C.
Other names: Y264H.
Identifiers: ClinVar variation 1686932 (VCV001686932.5), dbSNP rs2147245558, ClinGen allele CA412405626.